The following is an entry in ClinVar:

NM_000441.2(SLC26A4):c.164+1G>C

Gene: SLC26A4 (solute carrier family 26 member 4; plus strand). Cytogenetic location: 7q22.3.
Variant type: single nucleotide variant.
Coding change: c.164+1G>C on transcript NM_000441.2 (MANE Select); the canonical splice donor site of the intron after coding-DNA position 164, G replaced by C.
Molecular consequence: splice donor variant.
Genome position (GRCh38, 1-based): chr7:107,661,806, G>C. VCF-style: chr7-107661806-G-C. GRCh37 (hg19) VCF-style: chr7-107302251-G-C.
Other names: c.164+1G>C (NM_000441.1).
Identifiers: ClinVar variation 1457039 (VCV001457039.8), dbSNP rs1021962985, ClinGen allele CA164207471.

ClinVar aggregate classification (germline): Pathogenic/Likely pathogenic. Review status: criteria provided, multiple submitters, no conflicts (2 of 4 stars). 3 submissions from 3 submitters: Pathogenic (2); Likely pathogenic (1). Last evaluated 2025-08-15.

Conditions:
Pendred syndrome (PDS). Also called: HYPOTHYROIDISM, CONGENITAL, DUE TO DYSHORMONOGENESIS, 2B; Pendred Syndrome (PDS); DEAFNESS WITH GOITER; Pendred's syndrome; GOITER-DEAFNESS SYNDROME; THYROID DYSHORMONOGENESIS 2B. Identifiers: Orphanet 705, MedGen C0271829, MONDO:0010134, OMIM 274600.
Autosomal recessive nonsyndromic hearing loss 4 (DFNB4). Also called: Deafness, autosomal recessive 4, with enlarged vestibular aqueduct; NEUROSENSORY NONSYNDROMIC RECESSIVE DEAFNESS 4; Nonsyndromic enlarged vestibular aqueduct (NSEVA); Enlarged vestibular aqueduct, digenic; FOXI1-Related Pendred Syndrome; KCNJ10-Related Pendred Syndrome. Identifiers: Orphanet 90636, MedGen C3538946, MONDO:0010933, OMIM 600791.

Allele frequency attached by ClinVar (database versions not stated): TOPMed 0.00001.

Submissions (3):

Natera, Inc.
Classification: Pathogenic for Pendred syndrome. Last evaluated: 2025-08-15. Review status: criteria provided, single submitter. Criteria: Natera Variant Classification Schema (03/2026). Collection method: clinical testing. Allele origin: germline.
Comment: The c.164+1G>C variant in SLC26A4 is a canonical splice donor site variant predicted to affect pre-mRNA splicing, which may result in an abnormal transcript and altered protein product. This variant is expected to result in nonsense mediated decay, truncation, or a dysfunctional protein product. This variant is rare in the general population with a frequency below the threshold expected for the associated phenotype(s). This variant has been observed in one or more individuals affected with the associated recessive disease, as either homozygous or compound heterozygous with a second variant (PMID: 25724631). Given the available evidence, this variant is classified as Pathogenic.

Fulgent Genetics
Classification: Likely pathogenic for Pendred syndrome; Autosomal recessive nonsyndromic hearing loss 4. Last evaluated: 2024-01-18. Review status: criteria provided, single submitter. Criteria: ACMG Guidelines, 2015. Collection method: clinical testing. Allele origin: germline.

Labcorp Genetics (formerly Invitae), Labcorp
Classification: Pathogenic. Last evaluated: 2023-08-28. Review status: criteria provided, single submitter. Criteria: Invitae Variant Classification Sherloc (09022015). Collection method: clinical testing. Allele origin: germline.
Comment: Algorithms developed to predict the effect of sequence changes on RNA splicing suggest that this variant may disrupt the consensus splice site. This sequence change affects a donor splice site in intron 2 of the SLC26A4 gene. It is expected to disrupt RNA splicing. Variants that disrupt the donor or acceptor splice site typically lead to a loss of protein function (PMID: 16199547), and loss-of-function variants in SLC26A4 are known to be pathogenic (PMID: 16283880, 25394566, 26252218, 26445815). This variant is not present in population databases (gnomAD no frequency). Disruption of this splice site has been observed in individual(s) with SLC26A4-related conditions (PMID: 25724631). In at least one individual the data is consistent with being in trans (on the opposite chromosome) from a pathogenic variant. ClinVar contains an entry for this variant (Variation ID: 1457039). For these reasons, this variant has been classified as Pathogenic.

Literature cited by the submitters: PubMed 25724631 (cited by Natera, Inc. and Labcorp Genetics (formerly Invitae), Labcorp); PubMed 16199547 (cited by Labcorp Genetics (formerly Invitae), Labcorp); PubMed 16283880 (cited by Labcorp Genetics (formerly Invitae), Labcorp); PubMed 25394566 (cited by Labcorp Genetics (formerly Invitae), Labcorp); PubMed 26252218 (cited by Labcorp Genetics (formerly Invitae), Labcorp); PubMed 26445815 (cited by Labcorp Genetics (formerly Invitae), Labcorp).